The following is an entry in ClinVar:

ClinVar aggregate classification (germline): Uncertain significance. Review status: criteria provided, multiple submitters, no conflicts (2 of 4 stars). 4 submissions from 4 submitters: Uncertain significance (4). Last evaluated 2025-01-16.

Conditions:
Vici syndrome (VICIS). Identifiers: Orphanet 1493, MedGen C1855772, MONDO:0009452, OMIM 242840.
Inborn genetic diseases. Identifiers: MedGen C0950123, MeSH D030342.

Allele frequency attached by ClinVar (database versions not stated): ExAC 0.00011; gnomAD exomes 0.00012 and 0.00019; ESP Exome Variant Server 0.00016; gnomAD 0.00016 and 0.00020; TOPMed 0.00022.
gnomAD v4.1: 295 of 1,614,042 alleles (0.018%); highest among the groups gnomAD compares: Non-Finnish European, 0.023%; no homozygotes.

Submissions (4):

GeneDx
Classification: Uncertain significance. Last evaluated: 2025-01-16. Review status: criteria provided, single submitter. Criteria: GeneDx Variant Classification Process June 2021. Collection method: clinical testing. Allele origin: germline. Affected: yes.
Comment: In silico analysis indicates that this missense variant does not alter protein structure/function; Has not been previously published as pathogenic or benign to our knowledge

Blueprint Genetics
Classification: Uncertain significance. Last evaluated: 2024-11-20. Review status: criteria provided, single submitter. Criteria: ACMG Guidelines, 2015. Collection method: clinical testing. Allele origin: germline.

Ambry Genetics
Classification: Uncertain significance for Inborn genetic diseases. Last evaluated: 2024-05-20. Review status: criteria provided, single submitter. Criteria: Ambry Variant Classification Scheme 2023. Collection method: clinical testing. Allele origin: germline.

Labcorp Genetics (formerly Invitae), Labcorp
Classification: Uncertain significance for Vici syndrome. Last evaluated: 2022-10-22. Review status: criteria provided, single submitter. Criteria: Invitae Variant Classification Sherloc (09022015). Collection method: clinical testing. Allele origin: germline.
Comment: This sequence change replaces asparagine, which is neutral and polar, with lysine, which is basic and polar, at codon 2384 of the EPG5 protein (p.Asn2384Lys). This variant is present in population databases (rs201507415, gnomAD 0.02%). This variant has not been reported in the literature in individuals affected with EPG5-related conditions. ClinVar contains an entry for this variant (Variation ID: 649346). Advanced modeling of protein sequence and biophysical properties (such as structural, functional, and spatial information, amino acid conservation, physicochemical variation, residue mobility, and thermodynamic stability) performed at Invitae indicates that this missense variant is expected to disrupt EPG5 protein function. In summary, the available evidence is currently insufficient to determine the role of this variant in disease. Therefore, it has been classified as a Variant of Uncertain Significance.

NM_020964.3(EPG5):c.7152C>A (p.Asn2384Lys)

Gene: EPG5 (ectopic P-granules 5 autophagy tethering factor; minus strand). Cytogenetic location: 18q12.3.
Variant type: single nucleotide variant.
Coding change: c.7152C>A on transcript NM_020964.3 (MANE Select); coding-DNA position 7152, C replaced by A.
Protein change: p.Asn2384Lys; replaces asparagine 2384 with lysine.
Molecular consequence: missense variant.
Genome position (GRCh38, 1-based): chr18:45,858,640, G>T on the plus strand (C>A on the coding strand, the complement: EPG5 is on the minus strand). VCF-style: chr18-45858640-G-T. GRCh37 (hg19) VCF-style: chr18-43438605-G-T.
Other names: c.7152C>A, p.Asn2384Lys (LRG_1234t1); short protein forms N2384K.
Identifiers: ClinVar variation 649346 (VCV000649346.9), dbSNP rs201507415, ClinGen allele CA8948073.
Genomic context (GRCh38, chr18:45,858,640, plus strand): 5'-TTCCAGCCACTTGCTTAAGATGAGCAGCACTTTCATTTCATTCCTTAAAGTCTGTTCGCT[G>T]TTTAAACACTGAAGCAAGTAGACGTAAAGAGTCAAGTAACTGCCCAAGGTGAGGCACTCC-3'
Protein context (NP_066015.2, residues 2374-2394): TLYVYLLQCL[Asn2384Lys]SEQTLRNEMK